The following is an entry in ClinVar:

ClinVar aggregate classification (germline): Uncertain significance. Review status: criteria provided, multiple submitters, no conflicts (2 of 4 stars). 4 submissions from 4 submitters: Uncertain significance (3). 1 of the submissions does not count toward it. Last evaluated 2026-02-04.

Conditions:
CFTR-related disorder (CFTR-RD). Also called: CFTR-related condition; CFTR-related disorders. Identifiers: MedGen C5924204, MONDO:7770004.
Cystic fibrosis (CF). Also called: MUCOVISCIDOSIS. Identifiers: Orphanet 586, MedGen C0010674, MONDO:0009061, OMIM 219700. Disease mechanism: loss of function.

Allele frequency attached by ClinVar (database versions not stated): gnomAD exomes below 0.00001.
gnomAD v4.1: 2 of 1,458,164 alleles (0.00014%); highest among the groups gnomAD compares: African/African-American, 0.0028%; no homozygotes.

Submissions (4):

Women's Health and Genetics/Laboratory Corporation of America, LabCorp
Classification: Uncertain significance. Last evaluated: 2026-02-04. Review status: criteria provided, single submitter. Criteria: LabCorp Variant Classification Summary - May 2015. Collection method: clinical testing. Allele origin: germline.
Comment: Variant summary: CFTR c.579+4T>C alters a conserved nucleotide located close to a canonical splice site and therefore could affect mRNA splicing, leading to a significantly altered protein sequence. Consensus agreement among computation tools predict no significant impact on normal splicing. However, these predictions have yet to be confirmed by functional studies. The variant was absent in 249772 control chromosomes. The available data on variant occurrences in the general population are insufficient to allow any conclusion about variant significance. c.579+4T>C has been observed in at least one individual affected with Congenital Absence Of The Vas Deferens (Yuan_2019, Lu_2025). These data do not allow any conclusion about variant significance. To our knowledge, no experimental evidence demonstrating an impact on protein function has been reported. The following publications have been ascertained in the context of this evaluation (PMID: 30811104, 40065563). ClinVar contains an entry for this variant (Variation ID: 1749657). Based on the evidence outlined above, the variant was classified as uncertain significance.

Labcorp Genetics (formerly Invitae), Labcorp
Classification: Uncertain significance for Cystic fibrosis. Last evaluated: 2024-07-15. Review status: criteria provided, single submitter. Criteria: Invitae Variant Classification Sherloc (09022015). Collection method: clinical testing. Allele origin: germline.
Comment: This sequence change falls in intron 5 of the CFTR gene. It does not directly change the encoded amino acid sequence of the CFTR protein. It affects a nucleotide within the consensus splice site. This variant is not present in population databases (gnomAD no frequency). This variant has been observed in individual(s) with congenital absence of the vas deferens (PMID: 30811104). ClinVar contains an entry for this variant (Variation ID: 1749657). Variants that disrupt the consensus splice site are a relatively common cause of aberrant splicing (PMID: 17576681, 9536098). Algorithms developed to predict the effect of sequence changes on RNA splicing suggest that this variant is not likely to affect RNA splicing. In summary, the available evidence is currently insufficient to determine the role of this variant in disease. Therefore, it has been classified as a Variant of Uncertain Significance.

Ambry Genetics
Classification: Uncertain significance for Cystic fibrosis. Last evaluated: 2024-01-29. Review status: criteria provided, single submitter. Criteria: Ambry Variant Classification Scheme 2023. Collection method: clinical testing. Allele origin: germline.
Comment: The c.579+4T>C intronic variant results from a T to C substitution 4 nucleotides after coding exon 5 in the CFTR gene. This nucleotide position is not well conserved in available vertebrate species. This alteration was identified in an individual with congenital absence of the vas deferens (CAVD) (Yuan P et al. Andrology, 2019 May;7:329-340). In silico splice site analysis predicts that this alteration will not have any significant effect on splicing. Based on the available evidence, the clinical significance of this alteration remains unclear.

PreventionGenetics, part of Exact Sciences
Classification: Uncertain significance for CFTR-related condition. Last evaluated: 2024-07-17. Review status: no assertion criteria provided. Collection method: clinical testing. Allele origin: germline. Not counted in ClinVar's aggregate classification.
Comment: The CFTR c.579+4T>C variant is predicted to interfere with splicing. This variant was reported in an individual with congenital absence of vas deferens (Yuan et al. 2019. PubMed ID: 30811104). This variant has not been reported in a large population database, indicating this variant is rare. At this time, the clinical significance of this variant is uncertain due to the absence of conclusive functional and genetic evidence.

Literature cited by the submitters: PubMed 30811104 (cited by 3 submitters); PubMed 40065563 (cited by Women's Health and Genetics/Laboratory Corporation of America, LabCorp); PubMed 17576681 (cited by Labcorp Genetics (formerly Invitae), Labcorp); PubMed 9536098 (cited by Labcorp Genetics (formerly Invitae), Labcorp).

NM_000492.4(CFTR):c.579+4T>C

Gene: CFTR (CF transmembrane conductance regulator; plus strand). Cytogenetic location: 7q31.2.
Variant type: single nucleotide variant.
Coding change: c.579+4T>C on transcript NM_000492.4 (MANE Select); 4 bases into the intron after coding-DNA position 579, T replaced by C.
Molecular consequence: intron variant.
Genome position (GRCh38, 1-based): chr7:117,534,369, T>C. VCF-style: chr7-117534369-T-C. GRCh37 (hg19) VCF-style: chr7-117174423-T-C.
Identifiers: ClinVar variation 1749657 (VCV001749657.7), dbSNP rs563148024, ClinGen allele CA1106308918.